The following is an entry in ClinVar:

ClinVar aggregate classification (germline): Pathogenic (1 of 4 stars; one submission).

Conditions:
Spastic paraplegia. Identifiers: MedGen C0037772, HP:0001258.

Allele frequency attached by ClinVar (database versions not stated): gnomAD exomes below 0.00001; TOPMed below 0.00001; gnomAD 0.00001.
gnomAD v4.1: 2 of 1,614,080 alleles (0.00012%); highest among the groups gnomAD compares: African/African-American, 0.0013%; no homozygotes.

Submission:

Labcorp Genetics (formerly Invitae), Labcorp
Classification: Pathogenic for Spastic paraplegia. Last evaluated: 2021-05-12. Review status: criteria provided, single submitter. Criteria: Invitae Variant Classification Sherloc (09022015). Collection method: clinical testing. Allele origin: germline.
Comment: For these reasons, this variant has been classified as Pathogenic. This variant has not been reported in the literature in individuals with ZFYVE26-related conditions. This variant is not present in population databases (ExAC no frequency). This sequence change creates a premature translational stop signal (p.Gln874*) in the ZFYVE26 gene. It is expected to result in an absent or disrupted protein product. Loss-of-function variants in ZFYVE26 are known to be pathogenic (PMID: 18394578, 19805727).

Literature cited by the submitters: PubMed 18394578; PubMed 19805727.

NM_015346.4(ZFYVE26):c.2620C>T (p.Gln874Ter)

Gene: ZFYVE26 (zinc finger FYVE-type containing 26; minus strand). Cytogenetic location: 14q24.1.
Variant type: single nucleotide variant.
Coding change: c.2620C>T on transcript NM_015346.4 (MANE Select); coding-DNA position 2620, C replaced by T.
Protein change: p.Gln874Ter; replaces glutamine 874 with a stop codon.
Molecular consequence: nonsense.
Genome position (GRCh38, 1-based): chr14:67,790,707, G>A on the plus strand (C>T on the coding strand, the complement: ZFYVE26 is on the minus strand). VCF-style: chr14-67790707-G-A. GRCh37 (hg19) VCF-style: chr14-68257424-G-A.
Other names: short protein forms Q874*.
Identifiers: ClinVar variation 1068462 (VCV001068462.7), dbSNP rs1393427823, ClinGen allele CA390174043.
Genomic context (GRCh38, chr14:67,790,707, plus strand): 5'-CATCTGAGTTCTGGTTTTCAATCTTGTGCTCTACTTGGGCCAGTTCTTGGATCACTTCCT[G>A]GTAGCGCTCCATGAACATCAGTTCCCCTGAACTGGGTGAGGACTTCAGGTTGAACGTGAA-3'